The following is an entry in ClinVar:

NC_000010.10:g.(?_26986641)_(27035402_?)dup

Gene: PDSS1 (decaprenyl diphosphate synthase subunit 1; plus strand). Cytogenetic location: 10p12.1.
Variant type: Duplication.
Identifiers: ClinVar variation 1411821 (VCV001411821.5).

ClinVar aggregate classification (germline): Uncertain significance (1 of 4 stars; one submission).

Submission:

Labcorp Genetics (formerly Invitae), Labcorp
Classification: Uncertain significance. Last evaluated: 2021-12-03. Review status: criteria provided, single submitter. Criteria: Invitae Variant Classification Sherloc (09022015). Collection method: clinical testing. Allele origin: germline.
Comment: In summary, the available evidence is currently insufficient to determine the role of this variant in disease. Therefore, it has been classified as a Variant of Uncertain Significance. Experimental studies and prediction algorithms are not available or were not evaluated, and the functional significance of this variant is currently unknown. This variant has not been reported in the literature in individuals affected with PDSS1-related conditions. A copy number gain of the genomic region encompassing the full coding sequence of the PDSS1 gene has been identified. The boundaries of this event are unknown as they extend beyond the assayed region for this gene and therefore may encompass additional genes. As the precise location of this event is unknown, it may be in tandem or it may be located elsewhere in the genome.